The following is an entry in ClinVar:

ClinVar aggregate classification (germline): Uncertain significance (1 of 4 stars; one submission).

Submission:

Ambry Genetics
Classification: Uncertain significance. Last evaluated: 2025-06-07. Review status: criteria provided, single submitter. Criteria: Ambry Variant Classification Scheme 2023. Collection method: clinical testing. Allele origin: germline.
Comment: The p.A33E variant (also known as c.98C>A), located in coding exon 1 of the WNK2 gene, results from a C to A substitution at nucleotide position 98. The alanine at codon 33 is replaced by glutamic acid, an amino acid with dissimilar properties. This amino acid position is conserved. In addition, this alteration is predicted to be tolerated by in silico analysis. Based on the available evidence, the clinical significance of this variant remains unclear.

NM_006648.4(WNK2):c.98C>A (p.Ala33Glu)

Gene: WNK2 (WNK lysine deficient protein kinase 2; plus strand). Cytogenetic location: 9q22.31.
Variant type: single nucleotide variant.
Coding change: c.98C>A on transcript NM_006648.4 (MANE Select); coding-DNA position 98, C replaced by A.
Protein change: p.Ala33Glu; replaces alanine 33 with glutamic acid.
Molecular consequence: missense variant.
Genome position (GRCh38, 1-based): chr9:93,185,027, C>A. VCF-style: chr9-93185027-C-A. GRCh37 (hg19) VCF-style: chr9-95947309-C-A.
Other names: c.98C>A, p.Ala33Glu (NM_001282394.3); short protein forms A33E.
Identifiers: ClinVar variation 3982185 (VCV003982185.1).